The following is an entry in ClinVar:

ClinVar aggregate classification (germline): Uncertain significance (1 of 4 stars; one submission).

Conditions:
Koolen-de Vries syndrome (KDVS). Identifiers: Orphanet 96169, MedGen C1864871, MONDO:0012496, OMIM 610443.

Submission:

Labcorp Genetics (formerly Invitae), Labcorp
Classification: Uncertain significance for Koolen-de Vries syndrome. Last evaluated: 2024-05-12. Review status: criteria provided, single submitter. Criteria: Invitae Variant Classification Sherloc (09022015). Collection method: clinical testing. Allele origin: germline.
Comment: This sequence change replaces lysine, which is basic and polar, with glutamine, which is neutral and polar, at codon 615 of the KANSL1 protein (p.Lys615Gln). This variant is not present in population databases (gnomAD no frequency). This variant has not been reported in the literature in individuals affected with KANSL1-related conditions. Advanced modeling of protein sequence and biophysical properties (such as structural, functional, and spatial information, amino acid conservation, physicochemical variation, residue mobility, and thermodynamic stability) performed at Invitae indicates that this missense variant is not expected to disrupt KANSL1 protein function with a negative predictive value of 80%. In summary, the available evidence is currently insufficient to determine the role of this variant in disease. Therefore, it has been classified as a Variant of Uncertain Significance.

NM_015443.4(KANSL1):c.1843A>C (p.Lys615Gln)

Gene: KANSL1 (KAT8 regulatory NSL complex subunit 1). Cytogenetic location: 17q21.31.
Variant type: single nucleotide variant.
Coding change: c.1843A>C on transcript NM_015443.4 (MANE Select); coding-DNA position 1843, A replaced by C.
Protein change: p.Lys615Gln; replaces lysine 615 with glutamine.
Molecular consequence: missense variant.
Genome position (GRCh38, 1-based): chr17:46,066,542, T>G on the plus strand (A>C on the coding strand, the complement: KANSL1 is on the minus strand). VCF-style: chr17-46066542-T-G. GRCh37 (hg19) VCF-style: chr17-44143908-T-G.
Other names: c.1843A>C, p.Lys615Gln (NM_001193465.2, NM_001193466.2, NM_001379198.1 and 14 more transcripts); c.1741A>C, p.Lys581Gln (NM_001405859.1, NM_001405860.1, NM_001405861.1 and 1 more transcripts); c.577A>C, p.Lys193Gln (NM_001405882.1, NM_001405883.1, NM_001405884.1 and 1 more transcripts); short protein forms K581Q, K193Q, K615Q.
Identifiers: ClinVar variation 3652329 (VCV003652329.2).